The following is an entry in ClinVar:

NM_033305.3(VPS13A):c.6526C>T (p.Gln2176Ter)

Gene: VPS13A (vacuolar protein sorting 13 homolog A; plus strand). Cytogenetic location: 9q21.2.
Variant type: single nucleotide variant.
Coding change: c.6526C>T on transcript NM_033305.3 (MANE Select); coding-DNA position 6526, C replaced by T.
Protein change: p.Gln2176Ter; replaces glutamine 2176 with a stop codon.
Molecular consequence: nonsense.
Genome position (GRCh38, 1-based): chr9:77,339,663, C>T. VCF-style: chr9-77339663-C-T. GRCh37 (hg19) VCF-style: chr9-79954579-C-T.
Other names: c.6409C>T, p.Gln2137Ter (NM_001018037.2); c.6526C>T, p.Gln2176Ter (NM_001018038.3, NM_015186.4); short protein forms Q2137*, Q2176*.
Identifiers: ClinVar variation 5012645 (VCV005012645.1).
Genomic context (GRCh38, chr9:77,339,663, plus strand): 5'-AAATTACTTGACTATCTCAATCACGATTGGAAAAGTGAATATCACATAAAGCCTAATCAG[C>T]AAGACATTAGTTTTGTCAGTTTTACTTGTGTTACAGAAATGGAAAAGACTGATTTAGATA-3'

ClinVar aggregate classification (germline): Pathogenic (1 of 4 stars; one submission).

Conditions:
VPS13A-related neurodegenerative disease. Also called: ACANTHOCYTOSIS WITH NEUROLOGIC DISORDER; LEVINE-CRITCHLEY SYNDROME; Choreoacanthocytosis; Chorea-acanthocytosis; Choreaacanthocytosis; VPS13A Disease. Identifiers: Orphanet 2388, MedGen C0393576, MONDO:0008695, OMIM 200150.

Submission:

Myriad Genetics, Inc.
Classification: Pathogenic for VPS13A-related neurodegenerative disease. Last evaluated: 2024-01-14. Review status: criteria provided, single submitter. Criteria: Myriad Autosomal Dominant, Autosomal Recessive and X-Linked Classification Criteria (2023). Collection method: clinical testing. Allele origin: unknown.
Comment: NM_033305.2(VPS13A):c.6526C>T(Q2176*) is expected to be pathogenic in the context of VPS13A disease. This variant is predicted to lead to an abnormal or absent protein product due to the creation of a premature termination codon in VPS13A, a gene where loss-of-function variants are known to be pathogenic. Please note: this variant was assessed in the context of healthy population screening.